The following is an entry in ClinVar:

NM_000048.4(ASL):c.719-1G>C

Gene: ASL (argininosuccinate lyase; plus strand). Cytogenetic location: 7q11.21.
Variant type: single nucleotide variant.
Coding change: c.719-1G>C on transcript NM_000048.4 (MANE Select); the canonical splice acceptor site of the intron before coding-DNA position 719, G replaced by C.
Molecular consequence: splice acceptor variant.
Genome position (GRCh38, 1-based): chr7:66,088,806, G>C. VCF-style: chr7-66088806-G-C. GRCh37 (hg19) VCF-style: chr7-65553793-G-C.
Other names: c.719-1G>C (NM_001024943.2, NM_001024944.2); c.641-1G>C (NM_001024946.2).
Identifiers: ClinVar variation 940937 (VCV000940937.8), dbSNP rs369828060, ClinGen allele CA367645072.

ClinVar aggregate classification (germline): Pathogenic (1 of 4 stars; one submission).

Conditions:
Argininosuccinate lyase deficiency. Also called: Argininosuccinic aciduria; ARGININOSUCCINIC ACID LYASE DEFICIENCY; ASL DEFICIENCY. Identifiers: Orphanet 23, MedGen C0268547, MONDO:0008815, OMIM 207900, HP:0025630.

gnomAD v4.1: 1 of 1,612,196 alleles (0.000062%); highest among the groups gnomAD compares: East Asian, 0.0022%; no homozygotes.

Submission:

Labcorp Genetics (formerly Invitae), Labcorp
Classification: Pathogenic for Argininosuccinate lyase deficiency. Last evaluated: 2022-02-03. Review status: criteria provided, single submitter. Criteria: Invitae Variant Classification Sherloc (09022015). Collection method: clinical testing. Allele origin: germline.
Comment: This sequence change affects an acceptor splice site in intron 10 of the ASL gene. It is expected to disrupt RNA splicing. Variants that disrupt the donor or acceptor splice site typically lead to a loss of protein function (PMID: 16199547), and loss-of-function variants in ASL are known to be pathogenic (PMID: 2263616, 24166829). For these reasons, this variant has been classified as Pathogenic. Algorithms developed to predict the effect of sequence changes on RNA splicing suggest that this variant may disrupt the consensus splice site. ClinVar contains an entry for this variant (Variation ID: 940937). Disruption of this splice site has been observed in individual(s) with argininosuccinic aciduria (PMID: 28251416). This variant is present in population databases (no rsID available, gnomAD 0.006%).

Literature cited by the submitters: PubMed 16199547; PubMed 2263616; PubMed 24166829; PubMed 28251416.